The following is an entry in ClinVar:

ClinVar aggregate classification (germline): Uncertain significance (1 of 4 stars; one submission).

Submission:

GeneDx
Classification: Uncertain significance. Last evaluated: 2025-05-13. Review status: criteria provided, single submitter. Criteria: GeneDx Variant Classification Process June 2021. Collection method: clinical testing. Allele origin: germline.
Comment: Not observed at significant frequency in large population cohorts (gnomAD); In silico analysis suggests that this missense variant does not alter protein structure/function; Has not been previously published as pathogenic or benign to our knowledge

NM_007103.4(NDUFV1):c.658C>G (p.Gln220Glu)

Gene: NDUFV1 (NADH:ubiquinone oxidoreductase core subunit V1; plus strand). Cytogenetic location: 11q13.2.
Variant type: single nucleotide variant.
Coding change: c.658C>G on transcript NM_007103.4 (MANE Select); coding-DNA position 658, C replaced by G.
Protein change: p.Gln220Glu; replaces glutamine 220 with glutamic acid.
Molecular consequence: missense variant.
Genome position (GRCh38, 1-based): chr11:67,610,528, C>G. VCF-style: chr11-67610528-C-G. GRCh37 (hg19) VCF-style: chr11-67377999-C-G.
Other names: c.631C>G, p.Gln211Glu (NM_001166102.2); short protein forms Q211E, Q220E.
Identifiers: ClinVar variation 3361981 (VCV003361981.2).